The following is an entry in ClinVar:

NM_004385.5(VCAN):c.4170AGA[6] (p.Glu1395_Cys1396insGlu)

Genes: VCAN (versican; plus strand), VCAN-AS1 (VCAN antisense RNA 1; minus strand). Cytogenetic location: 5q14.3.
Variant type: Microsatellite.
Coding change: c.4170AGA[6] on transcript NM_004385.5 (MANE Select); six copies in a row of the 3-base unit AGA starting at c.4170; the reference has five copies in a row; one copy, 3 bases duplicated.
Protein change: p.Glu1395_Cys1396insGlu.
Molecular consequence: inframe insertion. On other transcripts: intron variant (2).
Genome position (GRCh38, 1-based): chr5:83,537,185-83,537,187, AGA duplicated; duplicating any 3 consecutive bases within chr5:83,537,171-83,537,187 gives the same sequence; the position shown is the placement nearest the transcript's 3' end. VCF-style (leftmost placement, unchanged base first): chr5-83537170-T-TGAA. GRCh37 (hg19) VCF-style: chr5-82832989-T-TGAA.
Other names: c.1209AGA[6], p.Glu408_Cys409insGlu (NM_001164097.2); c.4004-8366GAA[6] (NM_001164098.2); c.1043-8366GAA[6] (NM_001126336.3); c.4182_4184dupAGA (NM_004385.4).
Identifiers: ClinVar variation 2993135 (VCV002993135.4), dbSNP rs752532806, ClinGen allele CA3333133.

ClinVar aggregate classification (germline): Uncertain significance. Review status: criteria provided, multiple submitters, no conflicts (2 of 4 stars). 2 submissions from 2 submitters: Uncertain significance (2). Last evaluated 2026-01-07.

Conditions:
VCAN-related disorder. Also called: VCAN-related condition.

Submissions (2):

PreventionGenetics, part of Exact Sciences
Classification: Uncertain significance for VCAN-related condition. Last evaluated: 2026-01-07. Review status: criteria provided, single submitter. Criteria: ACMG Guidelines, 2015. Collection method: clinical testing. Allele origin: germline.
Comment: The VCAN c.4182_4184dupAGA variant is predicted to result in an in-frame duplication (p.Glu1395dup). To our knowledge, this variant has not been reported in the literature. This variant is reported in 0.011% of alleles in individuals of East Asian descent in gnomAD. At this time, the clinical significance of this variant is uncertain due to the absence of conclusive functional and genetic evidence.

Labcorp Genetics (formerly Invitae), Labcorp
Classification: Uncertain significance. Last evaluated: 2022-10-27. Review status: criteria provided, single submitter. Criteria: Invitae Variant Classification Sherloc (09022015). Collection method: clinical testing. Allele origin: germline.
Comment: This variant, c.4182_4184dup, results in the insertion of 1 amino acid(s) of the VCAN protein (p.Glu1395dup), but otherwise preserves the integrity of the reading frame. This variant is present in population databases (rs752532806, gnomAD 0.01%). This variant has not been reported in the literature in individuals affected with VCAN-related conditions. In summary, the available evidence is currently insufficient to determine the role of this variant in disease. Therefore, it has been classified as a Variant of Uncertain Significance.